The following is an entry in ClinVar:

NM_130398.4(EXO1):c.1983C>T (p.Asp661=)

Gene: EXO1 (exonuclease 1; plus strand). Cytogenetic location: 1q43.
Variant type: single nucleotide variant.
Coding change: c.1983C>T on transcript NM_130398.4 (MANE Select); coding-DNA position 1983, C replaced by T.
Protein change: p.Asp661=; no amino-acid change (aspartic acid 661 retained).
Molecular consequence: synonymous variant.
Genome position (GRCh38, 1-based): chr1:241,879,217, C>T. VCF-style: chr1-241879217-C-T. GRCh37 (hg19) VCF-style: chr1-242042519-C-T.
Other names: c.1980C>T, p.Asp660= (NM_001319224.2); c.1983C>T, p.Asp661= (NM_003686.4, NM_006027.4).
Identifiers: ClinVar variation 3040568 (VCV003040568.3), dbSNP rs4149979, ClinGen allele CA1481489.

ClinVar aggregate classification (germline): Likely benign. Review status: criteria provided, single submitter (1 of 4 stars). 2 submissions from 2 submitters: Likely benign (1). 1 of the submissions does not count toward it. Last evaluated 2024-11-15.

Conditions:
EXO1-related disorder. Also called: EXO1-related condition.

Allele frequency attached by ClinVar (database versions not stated): ExAC 0.00122; gnomAD 0.00127; TOPMed 0.00130; 1000 Genomes Project 30x 0.00141; 1000 Genomes Project 0.00160; gnomAD exomes 0.00177; ESP Exome Variant Server 0.00200.
gnomAD v4.1: 2,735 of 1,601,040 alleles (0.17%); highest among the groups gnomAD compares: Non-Finnish European, 0.21%; 4 homozygotes.

Submissions (2):

Blueprint Genetics
Classification: Likely benign. Last evaluated: 2024-11-15. Review status: criteria provided, single submitter. Criteria: ACMG Guidelines, 2015. Collection method: clinical testing. Allele origin: germline.

PreventionGenetics, part of Exact Sciences
Classification: Likely benign for EXO1-related condition. Last evaluated: 2019-04-24. Review status: no assertion criteria provided. Collection method: clinical testing. Allele origin: germline. Not counted in ClinVar's aggregate classification.
Comment: This variant is classified as likely benign based on ACMG/AMP sequence variant interpretation guidelines (Richards et al. 2015 PMID: 25741868, with internal and published modifications).